The following is an entry in ClinVar:

NM_000143.4(FH):c.1501del (p.Trp500_Val501insTer)

Gene: FH (fumarate hydratase; minus strand). Cytogenetic location: 1q43.
Variant type: Deletion.
Coding change: c.1501del on transcript NM_000143.4 (MANE Select); coding-DNA position 1501, one base deleted (G; older notation c.1501delG).
Protein change: p.Trp500_Val501insTer.
Molecular consequence: nonsense.
Genome position (GRCh38, 1-based): chr1:241,497,860, C deleted on the plus strand (G on the coding strand, the reverse complement: FH is on the minus strand); the first of 3 consecutive C bases (chr1:241,497,860-241,497,862); deleting any one gives the same sequence. VCF-style (leftmost placement, unchanged base first): chr1-241497859-AC-A. GRCh37 (hg19) VCF-style: chr1-241661159-AC-A.
Identifiers: ClinVar variation 3662833 (VCV003662833.2).

ClinVar aggregate classification (germline): Pathogenic (1 of 4 stars; one submission).

Submission:

Labcorp Genetics (formerly Invitae), Labcorp
Classification: Pathogenic. Last evaluated: 2026-01-27. Review status: criteria provided, single submitter. Criteria: Invitae Variant Classification Sherloc (09022015). Collection method: clinical testing. Allele origin: germline.
Comment: This sequence change creates a premature translational stop signal (p.Val501*) in the FH gene. While this is not anticipated to result in nonsense mediated decay, it is expected to disrupt the last 10 amino acid(s) of the FH protein. This variant is not present in population databases (gnomAD no frequency). This variant has not been reported in the literature in individuals affected with FH-related conditions. ClinVar contains an entry for this variant (Variation ID: 3662833). Algorithms developed to predict the effect of sequence changes on RNA splicing suggest that this variant may create or strengthen a splice site. This variant disrupts a region of the FH protein in which other variant(s) (p.Leu507Pro) have been determined to be pathogenic (PMID: 12761039; Internal data). This suggests that this is a clinically significant region of the protein, and that variants that disrupt it are likely to be disease-causing. For these reasons, this variant has been classified as Pathogenic.

Literature cited by the submitters: PubMed 12761039.